The following is an entry in ClinVar:

NM_001142800.2(EYS):c.8236G>T (p.Asp2746Tyr)

Genes: EYS (EGF-like photoreceptor maintenance factor; minus strand), PHF3 (PHD finger protein 3; plus strand). Cytogenetic location: 6q12.
Variant type: single nucleotide variant.
Coding change: c.8236G>T on transcript NM_001142800.2 (MANE Select); coding-DNA position 8236, G replaced by T.
Protein change: p.Asp2746Tyr; replaces aspartic acid 2746 with tyrosine.
Molecular consequence: missense variant. On other transcripts: 3 prime UTR variant (5).
Genome position (GRCh38, 1-based): chr6:63,721,795, C>A on the plus strand (G>T on the coding strand, the complement: EYS is on the minus strand). VCF-style: chr6-63721795-C-A. GRCh37 (hg19) VCF-style: chr6-64431691-C-A.
Other names: c.*8087C>A (NM_001290259.2, NM_001370348.2, NM_001370349.2 and 2 more transcripts); c.8299G>T, p.Asp2767Tyr (NM_001292009.2); short protein forms D2746Y, D2767Y.
Identifiers: ClinVar variation 1685776 (VCV001685776.3), dbSNP rs1349879153, ClinGen allele CA364385459.

ClinVar aggregate classification (germline): Pathogenic/Likely pathogenic. Review status: criteria provided, multiple submitters, no conflicts (2 of 4 stars). 3 submissions from 3 submitters: Pathogenic (2); Likely pathogenic (1). Last evaluated 2025-06-25.

Conditions:
Retinitis pigmentosa 25 (RP25). Identifiers: Orphanet 791, MedGen C1864446, MONDO:0011272, OMIM 602772.
Retinitis pigmentosa (RP). Identifiers: Orphanet 791, MedGen C0035334, MeSH D012174, MONDO:0019200, OMIM 268000. Inheritance: Autosomal dominant, autosomal recessive and X linked inheritance.

Allele frequency attached by ClinVar (database versions not stated): gnomAD 0.00001; gnomAD exomes 0.00003.
gnomAD v4.1: 15 of 1,538,980 alleles (0.00097%); highest among the groups gnomAD compares: South Asian, 0.016%; 1 homozygote.

Submissions (3):

Women's Health and Genetics/Laboratory Corporation of America, LabCorp
Classification: Pathogenic for Retinitis pigmentosa. Last evaluated: 2025-06-25. Review status: criteria provided, single submitter. Criteria: LabCorp Variant Classification Summary - May 2015. Collection method: clinical testing. Allele origin: germline.
Comment: Variant summary: EYS c.8236G>T (p.Asp2746Tyr) results in a non-conservative amino acid change in the encoded protein sequence. Algorithms developed to predict the effect of missense changes on protein structure and function are either unavailable or do not agree on the potential impact of this missense change. Consensus agreement among computation tools predict no significant impact on normal splicing. However, these predictions have yet to be confirmed by functional studies. The variant allele was found at a frequency of 2.7e-05 in 148014 control chromosomes. c.8236G>T has been observed in multiple homozygous individuals in a family affected with Retinitis Pigmentosa with perfect segregation (Khan_2010). These data indicate that the variant is very likely to be associated with disease. To our knowledge, no experimental evidence demonstrating an impact on protein function has been reported. The following publications have been ascertained in the context of this evaluation (PMID: 31964843, 21179430). ClinVar contains an entry for this variant (Variation ID: 1685776). Based on the evidence outlined above, the variant was classified as pathogenic.

Revvity Omics, Revvity
Classification: Likely pathogenic for Retinitis pigmentosa 25. Last evaluated: 2025-03-12. Review status: criteria provided, single submitter. Criteria: ACMG Guidelines, 2015. Collection method: clinical testing. Allele origin: germline.

Mendelics
Classification: Pathogenic for Retinitis pigmentosa 25. Last evaluated: 2022-05-04. Review status: criteria provided, single submitter. Criteria: Mendelics Assertion Criteria 2019. Collection method: clinical testing. Allele origin: germline.

Literature cited by the submitters: PubMed 21179430 (cited by Women's Health and Genetics/Laboratory Corporation of America, LabCorp); PubMed 31964843 (cited by Women's Health and Genetics/Laboratory Corporation of America, LabCorp).